The following is an entry in ClinVar:

ClinVar aggregate classification (germline): Likely benign (0 of 4 stars; one submission).

Conditions:
PKD1L1-related disorder. Also called: PKD1L1-related condition.

Allele frequency attached by ClinVar (database versions not stated): ExAC 0.00001; gnomAD 0.00006; TOPMed 0.00006; gnomAD exomes 0.00007.
gnomAD v4.1: 115 of 1,612,338 alleles (0.0071%); highest among the groups gnomAD compares: Non-Finnish European, 0.0089%; no homozygotes.

Submission:

PreventionGenetics, part of Exact Sciences
Classification: Likely benign for PKD1L1-related condition. Last evaluated: 2021-03-19. Review status: no assertion criteria provided. Collection method: clinical testing. Allele origin: germline.
Comment: This variant is classified as likely benign based on ACMG/AMP sequence variant interpretation guidelines (Richards et al. 2015 PMID: 25741868, with internal and published modifications).

NM_138295.5(PKD1L1):c.4363-9A>G

Gene: PKD1L1 (polycystin 1 like 1, transient receptor potential channel interacting; minus strand). Cytogenetic location: 7p12.3.
Variant type: single nucleotide variant.
Coding change: c.4363-9A>G on transcript NM_138295.5 (MANE Select); 9 bases into the intron before coding-DNA position 4363, A replaced by G.
Molecular consequence: intron variant.
Genome position (GRCh38, 1-based): chr7:47,857,841, T>C on the plus strand (A>G on the coding strand, the complement: PKD1L1 is on the minus strand). VCF-style: chr7-47857841-T-C. GRCh37 (hg19) VCF-style: chr7-47897439-T-C.
Identifiers: ClinVar variation 3029880 (VCV003029880.2), dbSNP rs751687820, ClinGen allele CA4253122.
Genomic context (GRCh38, chr7:47,857,841, plus strand): 5'-GGGTCCGGAACTCCATCTGCCCAGTGCTAACATGGTTCAAAGAGAGACAACCCTGAAACA[T>C]AGAGCATAGGGAGTGGGATGTTTATAACACAAATGCACAAACTGTCTTGAATCCAGACTA-3'